The following is an entry in ClinVar:

NM_000237.3(LPL):c.1325T>G (p.Val442Gly)

Gene: LPL (lipoprotein lipase; plus strand). Cytogenetic location: 8p21.3.
Variant type: single nucleotide variant.
Coding change: c.1325T>G on transcript NM_000237.3 (MANE Select); coding-DNA position 1325, T replaced by G.
Protein change: p.Val442Gly; replaces valine 442 with glycine.
Molecular consequence: missense variant.
Genome position (GRCh38, 1-based): chr8:19,962,117, T>G. VCF-style: chr8-19962117-T-G. GRCh37 (hg19) VCF-style: chr8-19819628-T-G.
Other names: p.Val442Gly; short protein forms V442G.
Identifiers: ClinVar variation 766071 (VCV000766071.32), dbSNP rs116403115, ClinGen allele CA4655714.

ClinVar aggregate classification (germline): Conflicting classifications of pathogenicity. Review status: criteria provided, conflicting classifications (1 of 4 stars). 13 submissions from 13 submitters: Uncertain significance (6); Likely benign (4). 3 of the submissions do not count toward it. Last evaluated 2026-01-20.

Conditions:
Hyperlipidemia, familial combined, LPL related (FCHL3). Also called: Hyperapobetalipoproteinemia. Identifiers: MedGen C0020474, MONDO:0007759, OMIM 144250, HP:0008158.
Hyperlipoproteinemia, type I. Also called: Lipoprotein Lipase Deficiency; HYPERLIPOPROTEINEMIA, TYPE IA; LPL DEFICIENCY; Hyperlipoproteinemia type 1; Hyperchylomicro-nemia familial; Familial chylomicronemia. Identifiers: Orphanet 309015, Orphanet 444490, MedGen C0023817, MONDO:0009387, OMIM 238600. Disease mechanism: loss of function.
LPL-related disorder. Also called: LPL-related condition.
Cardiovascular phenotype. Identifiers: MedGen CN230736.

Allele frequency attached by ClinVar (database versions not stated): 1000 Genomes Project 30x 0.00016; gnomAD exomes 0.00042 and 0.00022; gnomAD 0.00016; 1000 Genomes Project 0.00020; TOPMed 0.00043; ESP Exome Variant Server 0.00031; ExAC 0.00040.
gnomAD v4.1: 386 of 1,608,498 alleles (0.024%); highest among the groups gnomAD compares: Middle Eastern, 0.31%; 1 homozygote.

Submissions (13):

Labcorp Genetics (formerly Invitae), Labcorp
Classification: Likely benign. Last evaluated: 2026-01-20. Review status: criteria provided, single submitter. Criteria: Invitae Variant Classification Sherloc (09022015). Collection method: clinical testing. Allele origin: germline.

Mayo Clinic Laboratories, Mayo Clinic
Classification: Likely benign. Last evaluated: 2025-05-30. Review status: criteria provided, single submitter. Criteria: ACMG Guidelines, 2015. Collection method: clinical testing. Allele origin: germline. Observed: 1 variant allele.
Comment: BS1

Genomic Medicine Center of Excellence, King Faisal Specialist Hospital and Research Centre
Classification: Likely benign for Hyperlipoproteinemia, type I. Last evaluated: 2024-04-04. Review status: criteria provided, single submitter. Criteria: ACMG Guidelines, 2015. Collection method: clinical testing. Allele origin: germline.

Women's Health and Genetics/Laboratory Corporation of America, LabCorp
Classification: Uncertain significance. Last evaluated: 2023-10-24. Review status: criteria provided, single submitter. Criteria: LabCorp Variant Classification Summary - May 2015. Collection method: clinical testing. Allele origin: germline.
Comment: Variant summary: LPL c.1325T>G (p.Val442Gly) is located near a canonical splice site and results in a non-conservative amino acid change in the encoded protein sequence. Four of five in-silico tools predict a damaging effect of the variant on protein function. Consensus agreement among computation tools predict no significant impact on normal splicing. However, these predictions have yet to be confirmed by functional studies. The variant allele was found at a frequency of 0.00042 in 251268 control chromosomes. This frequency is not significantly higher than estimated for a pathogenic variant in LPL causing Hypertriglyceridemia (0.00042 vs 0.001), allowing no conclusion about variant significance. c.1325T>G has been reported in the literature in individuals affected with Hypertriglyceridemia (Buonuomo_2017), isolated hypercholesterolemia (Gill_2021), who suffered an acute myocardial infarction (Pan-Lizcano_2022), and individuals undergoing genetic testing for a variety of dyslipidemias (Dron_2020, Benes_2020). In case of the individual affected with Hypertriglyceridemia, they were heterozygous for the variant, but also homozygous for a co-occurring nonsense variant in APOA5 ( c.883C>T, p.Gln295X; Buonuomo_2017). The proband's father had Hypertriglyceridemia and he too was homozygous for the APOA5 variant, but did not harbor the variant of interest, whereas the mother who did carry the LPL variant (and the APOA5 nonsense variant in heterozygosity) was healthy, thus providing supporting evidence for a benign role. These reports do not provide unequivocal conclusions about association of the variant with Hypertriglyceridemia. To our knowledge, no experimental evidence demonstrating an impact on protein function has been reported. The following publications have been ascertained in the context of this evaluation (PMID: 31153847, 28951076, 33303402, 32041611, 36555767). Seven submitters have cited clinical-significance assessments for this variant to ClinVar after 2014. Five submitters classified the variant as uncertain significance and two classified it as likely benign. Based on the evidence outlined above, the variant was classified as VUS-possibly benign.

Ambry Genetics
Classification: Likely benign for Cardiovascular phenotype. Last evaluated: 2023-03-10. Review status: criteria provided, single submitter. Criteria: Ambry Variant Classification Scheme 2023. Collection method: clinical testing. Allele origin: germline.

GeneDx
Classification: Uncertain significance. Last evaluated: 2022-08-11. Review status: criteria provided, single submitter. Criteria: GeneDx Variant Classification Process June 2021. Collection method: clinical testing. Allele origin: germline. Affected: yes.
Comment: Identified in patients with hypertriglyceridemia or familial hypercholesterolemia in the published literature (Benes et al., 2019; Dron et al., 2020), including a child with severe hypertriglyceridemia who was also homozygous for a nonsense variant in the APOA5 gene; family studies showed the probands father with hypertriglyceridemia was also homozygous for the APOA5 nonsense variant and the proband's mother with normal plasma triglyceride levels was heterozygous for both the APOA5 variant and the LPL variant (Buonuomo et al., 2017); In silico analysis supports that this missense variant has a deleterious effect on protein structure/function; This variant is associated with the following publications: (PMID: 31153847, 28951076, 32041611)

New York Genome Center
Classification: Uncertain significance for Hyperlipoproteinemia, type I; Hyperlipidemia, familial combined, LPL related. Last evaluated: 2021-12-17. Review status: criteria provided, single submitter. Criteria: NYGC Assertion Criteria 2020. Collection method: clinical testing. Allele origin: germline. Observed: 1 heterozygote.
Comment: The c.1325T>G (p.Val442Gly) variant identified in the LPL gene substitutes a conserved Valine for Glycine at amino acid 442/476 (exon 9/10). This variant is found with low frequency in gnomAD(v3.1.2)(46 heterozygotes, 0 homozygotes; allele frequency:3.022e-4) suggesting it is not a common benign variant in the populations represented in that database. In silico algorithms predict this variant to be Damaging (SIFT; score:0.007) and Benign (REVEL; score:0.497) to the function of the canonical transcript. This variant is reported in ClinVar as a Variant of Uncertain Significance (n=5) and Likely Benign (n=1) (VarID:766071). This variant has been reported in several affected individuals in the literature [PMID:28951076, 31153847, 29590070], although in at least one case those individuals also had variants in other genes associated with hyperlipidemia [PMID:28951076]. Given the lack of compelling evidence for its pathogenicity, the c.1325T>G (p.Val442Gly) variant identified in the LPL gene is reported as a Variant of Uncertain Significance.

Genome-Nilou Lab
Classification: Uncertain significance for Hyperlipoproteinemia, type I. Last evaluated: 2021-07-14. Review status: criteria provided, single submitter. Criteria: ACMG Guidelines, 2015. Collection method: clinical testing. Allele origin: germline. Affected: no.

Molecular Diagnostic Laboratory for Inherited Cardiovascular Disease, Montreal Heart Institute
Classification: Uncertain significance. Last evaluated: 2019-10-28. Review status: criteria provided, single submitter. Criteria: ACMG Guidelines, 2015. Collection method: clinical testing. Allele origin: germline. Affected: yes.

Illumina Laboratory Services, Illumina
Classification: Uncertain significance for Hyperlipoproteinemia, type I. Last evaluated: 2018-01-13. Review status: criteria provided, single submitter. Criteria: ICSL Variant Classification Criteria 13 December 2019. Collection method: clinical testing. Allele origin: germline.

PreventionGenetics, part of Exact Sciences
Classification: Likely benign for LPL-related condition. Last evaluated: 2021-07-14. Review status: no assertion criteria provided. Collection method: clinical testing. Allele origin: germline. Not counted in ClinVar's aggregate classification.
Comment: This variant is classified as likely benign based on ACMG/AMP sequence variant interpretation guidelines (Richards et al. 2015 PMID: 25741868, with internal and published modifications).

Clinical Genetics DNA and cytogenetics Diagnostics Lab, Erasmus MC, Erasmus Medical Center
Classification: Uncertain significance. Review status: no assertion criteria provided. Collection method: clinical testing. Allele origin: germline. Affected: yes. Study: VKGL Data-share Consensus. Not counted in ClinVar's aggregate classification.

Clinical Genetics, Academic Medical Center
Classification: Uncertain significance. Review status: no assertion criteria provided. Collection method: clinical testing. Allele origin: germline. Affected: yes. Study: VKGL Data-share Consensus. Not counted in ClinVar's aggregate classification.

Literature cited by the submitters: PubMed 28951076 (cited by 3 submitters); PubMed 31153847 (cited by 3 submitters); PubMed 32041611 (cited by Mayo Clinic Laboratories, Mayo Clinic and Women's Health and Genetics/Laboratory Corporation of America, LabCorp); PubMed 33303402 (cited by Mayo Clinic Laboratories, Mayo Clinic and Women's Health and Genetics/Laboratory Corporation of America, LabCorp); PubMed 36325899 (cited by Mayo Clinic Laboratories, Mayo Clinic); PubMed 36555767 (cited by 3 submitters); PubMed 40179477 (cited by Mayo Clinic Laboratories, Mayo Clinic); PubMed 30559189 (cited by Ambry Genetics).